The following is an entry in ClinVar:

ClinVar aggregate classification (germline): Uncertain significance (1 of 4 stars; one submission).

Submission:

Ambry Genetics
Classification: Uncertain significance. Last evaluated: 2025-09-15. Review status: criteria provided, single submitter. Criteria: Ambry Variant Classification Scheme 2023. Collection method: clinical testing. Allele origin: germline.
Comment: The c.-1C>T variant is located in the 5' untranslated region (5&rsquo; UTR) of the ATRIP gene. This variant results from a C to T substitution 1 bases upstream from the first translated codon. This nucleotide position is highly conserved in available vertebrate species. The evidence for this gene-disease relationship is limited; therefore, the clinical significance of this alteration is unclear.

NM_130384.3(ATRIP):c.-1C>T

Genes: ATRIP (ATR interacting protein; plus strand), ATRIP-TREX1 (ATRIP-TREX1 readthrough; plus strand), LOC129936703 (ATAC-STARR-seq lymphoblastoid silent region 14331; plus strand). Cytogenetic location: 3p21.31.
Variant type: single nucleotide variant.
Coding change: c.-1C>T on transcript NM_130384.3 (MANE Select); 1 bases upstream of the start codon, C replaced by T.
Molecular consequence: 5 prime UTR variant. On other transcripts: non-coding transcript variant (1), intron variant (1).
Genome position (GRCh38, 1-based): chr3:48,446,845, C>T. VCF-style: chr3-48446845-C-T. GRCh37 (hg19) VCF-style: chr3-48488249-C-T.
Other names: c.-1C>T (NM_032166.4); c.-218+46C>T (NM_001271022.2).
Identifiers: ClinVar variation 4644496 (VCV004644496.1).